The following is an entry in ClinVar:

ClinVar aggregate classification (germline): Pathogenic (1 of 4 stars; one submission).

Conditions:
Gnathodiaphyseal dysplasia (GDD). Also called: GNATHODIAPHYSEAL SCLEROSIS; OSTEOGENESIS IMPERFECTA WITH UNUSUAL SKELETAL LESIONS. Identifiers: Orphanet 53697, MedGen C1833736, MONDO:0008151, OMIM 166260.
Autosomal recessive limb-girdle muscular dystrophy type 2L (LGMDR12). Also called: Limb-girdle muscular dystrophy, type 2L; Limb-Girdle Muscular Dystrophy R12 Anoctamin-5-Related (LGMD-R12); MUSCULAR DYSTROPHY, LIMB-GIRDLE, AUTOSOMAL RECESSIVE 12. Identifiers: Orphanet 206549, MedGen C1969785, MONDO:0012652, OMIM 611307.

Submission:

Labcorp Genetics (formerly Invitae), Labcorp
Classification: Pathogenic for Autosomal recessive limb-girdle muscular dystrophy type 2L; Gnathodiaphyseal dysplasia. Last evaluated: 2022-10-16. Review status: criteria provided, single submitter. Criteria: Invitae Variant Classification Sherloc (09022015). Collection method: clinical testing. Allele origin: germline.
Comment: For these reasons, this variant has been classified as Pathogenic. This variant has not been reported in the literature in individuals affected with ANO5-related conditions. This variant is a gross deletion of the genomic region encompassing exon(s) 9 of the ANO5 gene. This deletion is out-of-frame, and is expected to create a premature termination codon and result in an absent or disrupted protein product. Loss-of-function variants in ANO5 are known to be pathogenic (PMID: 21186264, 23606453, 25891276, 30919934).

Literature cited by the submitters: PubMed 21186264; PubMed 23606453; PubMed 25891276; PubMed 30919934.

NC_000011.9:g.(?_22261095)_(22261250_?)del

Gene: ANO5 (anoctamin 5; plus strand). Cytogenetic location: 11p14.3.
Variant type: Deletion.
Identifiers: ClinVar variation 2427785 (VCV002427785.6).